The following is an entry in ClinVar:

NM_033380.3(COL4A5):c.2332G>C (p.Gly778Arg)

Gene: COL4A5 (collagen type IV alpha 5 chain; plus strand). Cytogenetic location: Xq22.3.
Variant type: single nucleotide variant.
Coding change: c.2332G>C on transcript NM_033380.3 (MANE Select); coding-DNA position 2332, G replaced by C.
Protein change: p.Gly778Arg; replaces glycine 778 with arginine.
Molecular consequence: missense variant.
Genome position (GRCh38, 1-based): chrX:108,606,829, G>C. VCF-style: chrX-108606829-G-C. GRCh37 (hg19) VCF-style: chrX-107850059-G-C.
Other names: c.2332G>C, p.Gly778Arg (NM_000495.5); short protein forms G778R.
Identifiers: ClinVar variation 586956 (VCV000586956.3), dbSNP rs104886174, ClinGen allele CA413849033.

ClinVar aggregate classification (germline): Likely pathogenic. Review status: criteria provided, multiple submitters, no conflicts (2 of 4 stars). 2 submissions from 2 submitters: Likely pathogenic (2). Last evaluated 2022-09-01.

Conditions:
X-linked Alport syndrome (ATS1). Also called: COL4A5-Related Nephropathy; NEPHROPATHY AND DEAFNESS, X-LINKED. Identifiers: Orphanet 63, Orphanet 88917, MedGen C4746986, MONDO:0010520, OMIM 301050.

Submissions (2):

3billion
Classification: Likely pathogenic for X-linked Alport syndrome. Last evaluated: 2022-09-01. Review status: criteria provided, single submitter. Criteria: ACMG Guidelines, 2015. Collection method: clinical testing. Allele origin: germline. Affected: yes. Observed: 1 heterozygote.
Comment: The variant is not observed in the gnomAD v2.1.1 dataset. Missense changes are a common disease-causing mechanism. In silico tool predictions suggest damaging effect of the variant on gene or gene product (REVEL: 0.98; 3Cnet: 0.96). The variant has been previously reported to be associated with COL4A5-related disorder (PMID: 31096494). Different missense changes at the same codon (p.Gly778Asp, p.Gly778Ser) have been reported as pathogenic/likely pathogenic with strong evidence (ClinVar ID: VCV000024509 , VCV000975075). Therefore, this variant is classified as Likely pathogenic according to the recommendation of ACMG/AMP guideline.

Department of Laboratory Medicine, Soonchunhyang University Seoul Hospital
Classification: Likely pathogenic for X-linked Alport syndrome. Last evaluated: 2017-11-07. Review status: criteria provided, single submitter. Criteria: ACMG Guidelines, 2015. Collection method: clinical testing. Allele origin: germline. Inheritance: X-linked inheritance. Affected: yes. Observed: 1 hemizygote.

Literature cited by the submitters: PubMed 31096494 (cited by 3billion).